The following is an entry in ClinVar:

NM_001267550.2(TTN):c.51528del (p.Ser17177fs)

Genes: TTN (titin; minus strand), TTN-AS1 (TTN antisense RNA 1; plus strand). Cytogenetic location: 2q31.2.
Variant type: Deletion.
Coding change: c.51528del on transcript NM_001267550.2 (MANE Select); coding-DNA position 51528, one base deleted (G; older notation c.51528delG).
Protein change: p.Ser17177fs; shifts the reading frame from serine 17177.
Molecular consequence: frameshift variant.
Genome position (GRCh38, 1-based): chr2:178,609,895, C deleted on the plus strand (G on the coding strand, the reverse complement: TTN is on the minus strand); the first of 3 consecutive C bases (chr2:178,609,895-178,609,897); deleting any one gives the same sequence. VCF-style (leftmost placement, unchanged base first): chr2-178609894-TC-T. GRCh37 (hg19) VCF-style: chr2-179474621-TC-T.
Other names: c.46605del, p.Ser15536fs (NM_001256850.1); c.24333del, p.Ser8112fs (NM_003319.4); c.43824del, p.Ser14609fs (NM_133378.4); c.24708del, p.Ser8237fs (NM_133432.3); c.24909del, p.Ser8304fs (NM_133437.4); c.24333delG (NM_003319.4); short protein forms S17177fs, S8237fs, S8304fs, S8112fs, S14609fs, S15536fs.
Identifiers: ClinVar variation 1791187 (VCV001791187.2), dbSNP rs2470410679, ClinGen allele CA2580065000.

ClinVar aggregate classification (germline): Likely pathogenic (1 of 4 stars; one submission).

Conditions:
Cardiovascular phenotype. Identifiers: MedGen CN230736.

Submission:

Ambry Genetics
Classification: Likely pathogenic for Cardiovascular phenotype. Last evaluated: 2022-04-04. Review status: criteria provided, single submitter. Criteria: Ambry Variant Classification Scheme 2023. Collection method: clinical testing. Allele origin: germline.
Comment: The c.24333delG variant, located in coding exon 99 of the TTN gene, results from a deletion of one nucleotide at nucleotide position 24333, causing a translational frameshift with a predicted alternate stop codon (p.S8112Afs*3). This exon is located in the A-band region of the N2-B isoform of the titin protein and is constitutively expressed in TTN transcripts (percent spliced in or PSI 100%). This variant is considered to be rare based on population cohorts in the Genome Aggregation Database (gnomAD). This alteration is expected to result in loss of function by premature protein truncation or nonsense-mediated mRNA decay. While truncating variants in TTN are present in 1-3% of the general population, truncating variants in the A-band are the most common cause of dilated cardiomyopathy (DCM) (Herman DS et al. N. Engl. J. Med., 2012 Feb;366:619-28; Roberts AM et al. Sci Transl Med, 2015 Jan;7:270ra6). TTN truncating variants encoded in constitutive exons (PSI >90%) have been found to be significantly associated with DCM regardless of their position in titin (Schafer S et al. Nat. Genet., 2017 01;49:46-53). As such, this alteration is classified as likely pathogenic.